The following is an entry in ClinVar:

ClinVar aggregate classification (germline): Pathogenic/Likely pathogenic. Review status: criteria provided, multiple submitters, no conflicts (2 of 4 stars). 11 submissions from 11 submitters: Pathogenic (7); Likely pathogenic (2). 2 of the submissions do not count toward it. Last evaluated 2026-09-03.

Conditions:
GALNS-related disorder. Also called: GALNS-related condition.
Fetal anomalies with a likely genetic cause.
Morquio syndrome. Also called: Eccentrochondrodysplasia; Mucopolysaccharidosis, Type IV; MPS IV; Mucopolysaccharidosis type 4. Identifiers: Orphanet 582, MedGen C0026707, MONDO:0018938.
Mucopolysaccharidosis, MPS-IV-A (MPS4A). Also called: MPS IVA; mucopolysaccharidosis type 4A; MORQUIO A DISEASE; MORQUIO SYNDROME A; GALACTOSAMINE-6-SULFATASE DEFICIENCY; GALNS DEFICIENCY. Identifiers: Orphanet 309297, Orphanet 582, MedGen C0086651, MONDO:0009659, OMIM 253000.

Allele frequency attached by ClinVar (database versions not stated): ExAC 0.00002; gnomAD exomes 0.00004; TOPMed 0.00007; gnomAD 0.00008.

Submissions (11):

Genetics Laboratory, Great Ormond Street Hospital NHS Foundation Trust, North Thames Genomic Laboratory Hub
Classification: Pathogenic for Fetal anomalies with a likely genetic cause. Last evaluated: 2026-09-03. Review status: criteria provided, single submitter. Criteria: ACGS Best Practice Guidelines for Variant Classification in Rare Disease 2024 v1.2. Collection method: clinical testing. Allele origin: germline. Affected: yes.
Comment: PP3_supporting, PM5_supporting, PS3_supporting, PM3_very-strong

PreventionGenetics, part of Exact Sciences
Classification: Pathogenic for GALNS-related condition. Last evaluated: 2025-12-16. Review status: criteria provided, single submitter. Criteria: ACMG Guidelines, 2015. Collection method: clinical testing. Allele origin: germline.
Comment: The GALNS c.337A>T variant is predicted to result in the amino acid substitution p.Ile113Phe. This variant has been detected in the homozygous and compound heterozygous state in several individuals with mucopolysaccharidosis IVA and is among the most common causative variants (Tomatsu et al. 1995. PubMed ID: 7668283; Tomatsu et al. 2005. PubMed ID: 16287098). This variant is reported in 0.0086% of alleles in individuals of European (Non-Finnish) descent in gnomAD. This variant is interpreted as pathogenic.

Labcorp Genetics (formerly Invitae), Labcorp
Classification: Pathogenic for Mucopolysaccharidosis, MPS-IV-A. Last evaluated: 2025-12-14. Review status: criteria provided, single submitter. Criteria: Invitae Variant Classification Sherloc (09022015). Collection method: clinical testing. Allele origin: germline.
Comment: This sequence change replaces isoleucine, which is neutral and non-polar, with phenylalanine, which is neutral and non-polar, at codon 113 of the GALNS protein (p.Ile113Phe). This variant is present in population databases (rs118204438, gnomAD 0.009%). This missense change has been observed in individual(s) with mucopolysaccharidosis type IVA (PMID: 7668283, 25137622; internal data). ClinVar contains an entry for this variant (Variation ID: 703). Invitae Evidence Modeling of protein sequence and biophysical properties (such as structural, functional, and spatial information, amino acid conservation, physicochemical variation, residue mobility, and thermodynamic stability) has been performed for this missense variant. However, the output from this modeling did not meet the statistical confidence thresholds required to predict the impact of this variant on GALNS protein function. Experimental studies have shown that this missense change affects GALNS function (PMID: 7668283). For these reasons, this variant has been classified as Pathogenic.

Fulgent Genetics
Classification: Pathogenic for Mucopolysaccharidosis, MPS-IV-A. Last evaluated: 2024-04-25. Review status: criteria provided, single submitter. Criteria: ACMG Guidelines, 2015. Collection method: clinical testing. Allele origin: germline.

Genome-Nilou Lab
Classification: Likely pathogenic for Mucopolysaccharidosis, MPS-IV-A. Last evaluated: 2021-11-07. Review status: criteria provided, single submitter. Criteria: ACMG Guidelines, 2015. Collection method: clinical testing. Allele origin: germline. Affected: no.

Laboratory of Diagnosis and Therapy of Lysosomal Disorders, University of Padova
Classification: Likely pathogenic for Mucopolysaccharidosis, MPS-IV-A. Last evaluated: 2021-02-01. Review status: criteria provided, single submitter. Criteria: ACMG Guidelines, 2015. Collection method: research. Allele origin: germline. Affected: yes.
Comment: In vivo and in vitro functional studies supportive of a damaging effect on the gene product (low to null enzymatic activity in homozygotes; low in vitro enzymatic activity; PS3_moderate); the prevalence of the variant in affected individuals is significantly increased compared with the prevalence in controls (PS4_strong); very low frequency in gnomAD v2.1.1 (PM2_moderate)

Women's Health and Genetics/Laboratory Corporation of America, LabCorp
Classification: Pathogenic for Morquio syndrome. Last evaluated: 2019-07-03. Review status: criteria provided, single submitter. Criteria: LabCorp Variant Classification Summary - May 2015. Collection method: clinical testing. Allele origin: germline.
Comment: Variant summary: GALNS c.337A>T (p.Ile113Phe) results in a non-conservative amino acid change located in the Sulfatase, N-terminal domain (IPR000917) of the encoded protein sequence. Three of five in-silico tools predict a damaging effect of the variant on protein function. The variant allele was found at a frequency of 4e-05 in 250984 control chromosomes (gnomAD). This frequency is not significantly higher than expected for a pathogenic variant in GALNS causing Mucopolysaccharidosis Type IVA (Morquio Syndrome A) (4e-05 vs 0.002), allowing no conclusion about variant significance. c.337A>T has been reported in the literature in multiple individuals affected with Mucopolysaccharidosis Type IVA (Morquio Syndrome A) (Yamada_1998, Tomatsu_2004, Dung_2013). These data indicate that the variant is very likely to be associated with disease. Several publications report experimental evidence evaluating the effects of the variant on protein function. The most pronounced variant effect results in <10% of normal activity (Yamada_1998, Sukegawa_2000). Two ClinVar submissions (evaluation after 2014) cite the variant as pathogenic. Based on the evidence outlined above, the variant was classified as pathogenic.

Illumina Laboratory Services, Illumina
Classification: Pathogenic for Mucopolysaccharidosis, MPS-IV-A. Last evaluated: 2017-04-27. Review status: criteria provided, single submitter. Criteria: ICSL Variant Classification Criteria 09 May 2019. Collection method: clinical testing. Allele origin: germline.
Comment: The GALNS c.337A>T (p.Ile113Phe) missense variant is described as the second most frequently reported pathogenic variant, accounting for five percent of mucopolysaccharidosis type IV type A patient alleles (Morrone et al. 2014), and is especially common among patients of British and Irish descent. Across a selection of the available literature, the p.Ile113Phe variant has been identified in a homozygous state in two patients with mucopolysaccharidosis type IV, in a compound heterozygous state in 11 patients, and in a heterozygous state in six patients (Tomatsu et al. 1995; Yamada et al. 1998; Tomatsu et al. 2004; Dung et al. 2013; Bhattacharya et al. 2014). The p.Ile113Phe variant was absent from 300 control chromosomes (Tomatsu et al. 1995; Yamada et al. 1998; Tomatsu et al. 2004) and is reported at a frequency of 0.00012 in the European American population of the Exome Sequencing Project; however, this frequency is based on one allele only in a region of good sequence coverage, suggesting the variant is rare. In vitro transient expression studies showed that the p.Ile113Phe variant reduced cDNA expression to approximately five percent of wild type (Tomatsu et al. 1995; Sukegawa et al. 2000). Based on the collective evidence, the p.Ile113Phe variant is classified as pathogenic for mucopolysaccharidosis type IV. This variant was observed by ICSL as part of a predisposition screen in an ostensibly healthy population.

Eurofins Ntd Llc (ga)
Classification: Pathogenic. Last evaluated: 2016-02-22. Review status: criteria provided, single submitter. Criteria: EGL Classification Definitions 2015. Collection method: clinical testing. Allele origin: germline. Observed: 4 variant alleles, 3 heterozygotes, 1 homozygote.

OMIM
Classification: Pathogenic for MUCOPOLYSACCHARIDOSIS, TYPE IVA. Last evaluated: 1998-01-01. Review status: no assertion criteria provided. Collection method: literature only. Allele origin: germline. Not counted in ClinVar's aggregate classification.

GeneReviews
No classification provided. Condition: Mucopolysaccharidosis, MPS-IV-A. Review status: no classification provided. Collection method: literature only. Allele origin: germline. Not counted in ClinVar's aggregate classification.

Literature cited by the submitters: PubMed 7668283 (cited by 4 submitters); PubMed 25137622 (cited by Labcorp Genetics (formerly Invitae), Labcorp and Illumina Laboratory Services, Illumina); PubMed 15235041 (cited by 3 submitters); PubMed 16287098 (cited by Laboratory of Diagnosis and Therapy of Lysosomal Disorders, University of Padova); PubMed 23876334 (cited by 3 submitters); PubMed 24726177 (cited by Laboratory of Diagnosis and Therapy of Lysosomal Disorders, University of Padova); PubMed 7633425 (cited by Laboratory of Diagnosis and Therapy of Lysosomal Disorders, University of Padova); PubMed 9521421 (cited by 4 submitters); PubMed 34387910 (cited by Laboratory of Diagnosis and Therapy of Lysosomal Disorders, University of Padova); PubMed 10814710 (cited by Women's Health and Genetics/Laboratory Corporation of America, LabCorp and Illumina Laboratory Services, Illumina); PubMed 25433535 (cited by Illumina Laboratory Services, Illumina); DOI: 10.1036/ommbid.165 (cited by GeneReviews); PubMed 23844448 (cited by GeneReviews).

NM_000512.5(GALNS):c.337A>T (p.Ile113Phe)

Gene: GALNS (galactosamine (N-acetyl)-6-sulfatase; minus strand). Cytogenetic location: 16q24.3.
Variant type: single nucleotide variant.
Coding change: c.337A>T on transcript NM_000512.5 (MANE Select); coding-DNA position 337, A replaced by T.
Protein change: p.Ile113Phe; replaces isoleucine 113 with phenylalanine.
Molecular consequence: missense variant. On other transcripts: 5 prime UTR variant (1).
Genome position (GRCh38, 1-based): chr16:88,841,077, T>A on the plus strand (A>T on the coding strand, the complement: GALNS is on the minus strand). VCF-style: chr16-88841077-T-A. GRCh37 (hg19) VCF-style: chr16-88907485-T-A.
Other names: c.-219A>T (NM_001323543.2); c.355A>T, p.Ile119Phe (NM_001323544.2); short protein forms I113F, I119F.
Identifiers: ClinVar variation 703 (VCV000000703.27), dbSNP rs118204438, ClinGen allele CA339830.